The following is an entry in ClinVar:

NM_001127898.4(CLCN5):c.1820C>G (p.Pro607Arg)

Genes: CLCN5 (chloride voltage-gated channel 5; plus strand), LOC126863258 (BRD4-independent group 4 enhancer GRCh37_chrX:49854497-49855696; plus strand). Cytogenetic location: Xp11.23.
Variant type: single nucleotide variant.
Coding change: c.1820C>G on transcript NM_001127898.4 (MANE Select); coding-DNA position 1820, C replaced by G.
Protein change: p.Pro607Arg; replaces proline 607 with arginine.
Molecular consequence: missense variant. On other transcripts: non-coding transcript variant (1).
Genome position (GRCh38, 1-based): chrX:50,090,191, C>G. VCF-style: chrX-50090191-C-G. GRCh37 (hg19) VCF-style: chrX-49854848-C-G.
Other names: c.1610C>G, p.Pro537Arg (NM_000084.5); c.1820C>G, p.Pro607Arg (NM_001127899.4); c.1670C>G, p.Pro557Arg (NM_001282163.2); c.1832C>G, p.Pro611Arg (NM_001440756.1, NM_001440757.1); short protein forms P537R, P557R, P607R, P611R.
Identifiers: ClinVar variation 4086171 (VCV004086171.1).
Genomic context (GRCh38, chrX:50,090,191, plus strand): 5'-TGACTGTTTCTCTTGTTGTCATAATGTTTGAACTGACTGGTGGCTTAGAATACATCGTGC[C>G]TCTGATGGCTGCAGCCATGACAAGCAAGTGGGTGGCAGATGCTCTTGGGCGGGAGGGCAT-3'
Protein context (NP_001121370.1, residues 597-617): ELTGGLEYIV[Pro607Arg]LMAAAMTSKW

ClinVar aggregate classification (germline): Likely pathogenic (1 of 4 stars; one submission).

Conditions:
Hypophosphatemic rickets, X-linked recessive (XLHRR). Identifiers: Orphanet 1652, Orphanet 93622, MedGen C1845168, MONDO:0010358, OMIM 300554.

Submission:

Neuberg Centre For Genomic Medicine, NCGM
Classification: Likely pathogenic for Hypophosphatemic rickets, X-linked recessive. Review status: criteria provided, single submitter. Criteria: ACMG Guidelines, 2015. Collection method: clinical testing. Allele origin: germline. Inheritance: X-linked recessive inheritance. Affected: yes.
Comment: This variant is located in a mutational hot spot and/or critical and well-established functional domain without benign variation.